The following is an entry in ClinVar:

NM_033409.4(SLC52A3):c.833C>T (p.Thr278Met)

Gene: SLC52A3 (solute carrier family 52 member 3; minus strand). Cytogenetic location: 20p13.
Variant type: single nucleotide variant.
Coding change: c.833C>T on transcript NM_033409.4 (MANE Select); coding-DNA position 833, C replaced by T.
Protein change: p.Thr278Met; replaces threonine 278 with methionine.
Molecular consequence: missense variant.
Genome position (GRCh38, 1-based): chr20:763,738, G>A on the plus strand (C>T on the coding strand, the complement: SLC52A3 is on the minus strand). VCF-style: chr20-763738-G-A. GRCh37 (hg19) VCF-style: chr20-744382-G-A.
Other names: c.833C>T, p.Thr278Met (NM_001370085.1, NM_001370086.1); short protein forms T278M.
Identifiers: ClinVar variation 262240 (VCV000262240.19), dbSNP rs3746803, ClinGen allele CA9724670.

ClinVar aggregate classification (germline): Benign. Review status: criteria provided, multiple submitters, no conflicts (2 of 4 stars). 7 submissions from 7 submitters: Benign (7). Last evaluated 2026-02-04.

Conditions:
Brown-Vialetto-van Laere syndrome 1. Also called: BULBAR PALSY, PROGRESSIVE, WITH SENSORINEURAL DEAFNESS; PONTOBULBAR PALSY WITH DEAFNESS; BROWN-VIALETTO-VAN LAERE SYNDROME 1, MILD. Identifiers: Orphanet 572550, Orphanet 97229, MedGen C0796274, MONDO:0024537, OMIM 211530.
Progressive bulbar palsy of childhood. Also called: FAZIO-LONDE DISEASE; Childhood Progressive Bulbar Palsy. Identifiers: MedGen C0393540, MONDO:0100428, OMIM 211500.

Allele frequency attached by ClinVar (database versions not stated): 1000 Genomes Project 30x 0.08776; TOPMed 0.08782; ESP Exome Variant Server 0.09918; 1000 Genomes Project 0.09046.

Submissions (7):

Labcorp Genetics (formerly Invitae), Labcorp
Classification: Benign for Brown-Vialetto-van Laere syndrome 1. Last evaluated: 2026-02-04. Review status: criteria provided, single submitter. Criteria: Invitae Variant Classification Sherloc (09022015). Collection method: clinical testing. Allele origin: germline.

Mayo Clinic Laboratories, Mayo Clinic
Classification: Benign. Last evaluated: 2024-11-20. Review status: criteria provided, single submitter. Criteria: ACMG Guidelines, 2015. Collection method: clinical testing. Allele origin: germline. Observed: 295 variant alleles.
Comment: BA1, BP4

Fulgent Genetics
Classification: Benign for Progressive bulbar palsy of childhood; Brown-Vialetto-van Laere syndrome 1. Last evaluated: 2022-03-30. Review status: criteria provided, single submitter. Criteria: ACMG Guidelines, 2015. Collection method: clinical testing. Allele origin: unknown.

GeneDx
Classification: Benign. Last evaluated: 2018-08-01. Review status: criteria provided, single submitter. Criteria: GeneDx Variant Classification Process June 2021. Collection method: clinical testing. Allele origin: germline. Affected: yes.
Comment: This variant is associated with the following publications: (PMID: 22471455)

Laboratory for Molecular Medicine, Mass General Brigham Personalized Medicine
Classification: Benign. Last evaluated: 2017-08-23. Review status: criteria provided, single submitter. Criteria: LMM Criteria. Collection method: clinical testing. Allele origin: germline. Observed: 55 variant alleles.
Comment: p.Thr278Met in exon 3 of SLC52A3: This variant is not expected to have clinical significance because it has been identified in 13.64% (2253/16512) of South Asia n chromosomes by the Exome Aggregation Consortium (ExAC; dbSNP rs3746803).

Breakthrough Genomics
Classification: Benign. Review status: criteria provided, single submitter. Criteria: ACMG Guidelines, 2015. Collection method: not provided. Allele origin: germline. Inheritance: Autosomal recessive inheritance. Affected: yes.

PreventionGenetics, part of Exact Sciences
Classification: Benign. Review status: criteria provided, single submitter. Criteria: ACMG Guidelines, 2015. Collection method: clinical testing. Allele origin: germline.